The following is an entry in ClinVar:

NM_001330288.2(SMARCC2):c.1036C>T (p.Pro346Ser)

Gene: SMARCC2 (SWI/SNF related BAF chromatin remodeling complex subunit C2; minus strand). Cytogenetic location: 12q13.2.
Variant type: single nucleotide variant.
Coding change: c.1036C>T on transcript NM_001330288.2 (MANE Select); coding-DNA position 1036, C replaced by T.
Protein change: p.Pro346Ser; replaces proline 346 with serine.
Molecular consequence: missense variant.
Genome position (GRCh38, 1-based): chr12:56,181,022, G>A on the plus strand (C>T on the coding strand, the complement: SMARCC2 is on the minus strand). VCF-style: chr12-56181022-G-A. GRCh37 (hg19) VCF-style: chr12-56574806-G-A.
Other names: c.1036C>T, p.Pro346Ser (NM_001130420.3, NM_003075.5, NM_139067.4); short protein forms P346S.
Identifiers: ClinVar variation 3369724 (VCV003369724.1).
Genomic context (GRCh38, chr12:56,181,022, plus strand): 5'-CAGCCTGGCCTGTACCTGTTTTGGGAAGTGTCACCTCTTCTACATTGGGGACTGGTGAGG[G>A]CTCGTCCATGTCCTTTGTCAGGTCTTCTTGCTCCTCTTCTCTGTGGCCACGCTTTGACTT-3'
Protein context (NP_001317217.1, residues 336-356): QEDLTKDMDE[Pro346Ser]SPVPNVEEVT

ClinVar aggregate classification (germline): Uncertain significance (1 of 4 stars; one submission).

gnomAD v4.1: 6 of 1,613,920 alleles (0.00037%); highest among the groups gnomAD compares: Non-Finnish European, 0.00051%; no homozygotes.

Submission:

GeneDx
Classification: Uncertain significance. Last evaluated: 2024-02-26. Review status: criteria provided, single submitter. Criteria: GeneDx Variant Classification Process June 2021. Collection method: clinical testing. Allele origin: germline. Affected: yes.
Comment: Not observed at significant frequency in large population cohorts (gnomAD); In silico analysis supports that this missense variant has a deleterious effect on protein structure/function; Has not been previously published as pathogenic or benign to our knowledge